The following is an entry in ClinVar:

NM_001127208.3(TET2):c.2457T>A (p.Tyr819Ter)

Genes: TET2 (tet methylcytosine dioxygenase 2; plus strand), TET2-AS1 (TET2 antisense RNA 1; minus strand). Cytogenetic location: 4q24.
Variant type: single nucleotide variant.
Coding change: c.2457T>A on transcript NM_001127208.3 (MANE Select); coding-DNA position 2457, T replaced by A.
Protein change: p.Tyr819Ter; replaces tyrosine 819 with a stop codon.
Molecular consequence: nonsense.
Genome position (GRCh38, 1-based): chr4:105,236,399, T>A. VCF-style: chr4-105236399-T-A. GRCh37 (hg19) VCF-style: chr4-106157556-T-A.
Other names: c.2457T>A, p.Tyr819Ter (NM_017628.4); short protein forms Y819*.
Identifiers: ClinVar variation 4726589 (VCV004726589.1).

ClinVar aggregate classification (germline): Pathogenic (1 of 4 stars; one submission).

Submission:

Labcorp Genetics (formerly Invitae), Labcorp
Classification: Pathogenic. Last evaluated: 2025-09-03. Review status: criteria provided, single submitter. Criteria: Invitae Variant Classification Sherloc (09022015). Collection method: clinical testing. Allele origin: germline.
Comment: This sequence change creates a premature translational stop signal (p.Tyr819*) in the TET2 gene. It is expected to result in an absent or disrupted protein product. Loss-of-function variants in TET2 are known to be pathogenic (PMID: 36066697). This variant is not present in population databases (gnomAD no frequency). This variant has not been reported in the literature in individuals affected with TET2-related conditions. For these reasons, this variant has been classified as Pathogenic.

Literature cited by the submitters: PubMed 36066697.